The following is an entry in ClinVar:

ClinVar aggregate classification (germline): Pathogenic (1 of 4 stars; one submission).

Conditions:
Symmetrical dyschromatosis of extremities (DSH). Also called: DYSCHROMATOSIS SYMMETRICA HEREDITARIA 1; RETICULATE ACROPIGMENTATION OF DOHI; SYMMETRIC DYSCHROMATOSIS OF THE EXTREMITIES; Dyschromatosis symmetrica hereditaria. Identifiers: Orphanet 41, MedGen C0406775, MONDO:0007483, OMIM 127400.
Aicardi-Goutieres syndrome 6 (AGS6). Identifiers: Orphanet 51, MedGen C3539013, MONDO:0014007, OMIM 615010.

Submission:

Labcorp Genetics (formerly Invitae), Labcorp
Classification: Pathogenic for Aicardi-Goutieres syndrome 6; Symmetrical dyschromatosis of extremities. Last evaluated: 2024-07-11. Review status: criteria provided, single submitter. Criteria: Invitae Variant Classification Sherloc (09022015). Collection method: clinical testing. Allele origin: germline.
Comment: This sequence change creates a premature translational stop signal (p.Gln749*) in the ADAR gene. It is expected to result in an absent or disrupted protein product. Loss-of-function variants in ADAR are known to be pathogenic (PMID: 22974014). This variant is not present in population databases (gnomAD no frequency). This variant has not been reported in the literature in individuals affected with ADAR-related conditions. For these reasons, this variant has been classified as Pathogenic.

Literature cited by the submitters: PubMed 22974014.

NM_001111.5(ADAR):c.2245C>T (p.Gln749Ter)

Gene: ADAR (adenosine deaminase RNA specific; minus strand). Cytogenetic location: 1q21.3.
Variant type: single nucleotide variant.
Coding change: c.2245C>T on transcript NM_001111.5 (MANE Select); coding-DNA position 2245, C replaced by T.
Protein change: p.Gln749Ter; replaces glutamine 749 with a stop codon.
Molecular consequence: nonsense.
Genome position (GRCh38, 1-based): chr1:154,596,830, G>A on the plus strand (C>T on the coding strand, the complement: ADAR is on the minus strand). VCF-style: chr1-154596830-G-A. GRCh37 (hg19) VCF-style: chr1-154569306-G-A.
Other names: c.2245C>T, p.Gln749Ter (NM_015840.4); c.2188C>T, p.Gln730Ter (NM_015841.4); c.1360C>T, p.Gln454Ter (NM_001025107.3, NM_001193495.2, NM_001365046.1 and 3 more transcripts); c.2272C>T, p.Gln758Ter (NM_001365045.1); short protein forms Q454*, Q730*, Q749*, Q758*.
Identifiers: ClinVar variation 3757205 (VCV003757205.2).